The following is an entry in ClinVar:

ClinVar aggregate classification (germline): Likely benign (1 of 4 stars; one submission).

Submission:

CeGaT Center for Human Genetics Tuebingen
Classification: Likely benign. Last evaluated: 2026-03-01. Review status: criteria provided, single submitter. Criteria: CeGaT Center For Human Genetics Tuebingen Variant Classification Criteria Version 2. Collection method: clinical testing. Allele origin: germline. Affected: yes. Observed: 1 variant allele.
Comment: AGO1: PM2, PP2, BS2

NM_012199.5(AGO1):c.2176G>A (p.Gly726Ser)

Gene: AGO1 (argonaute RISC component 1; plus strand). Cytogenetic location: 1p34.3.
Variant type: single nucleotide variant.
Coding change: c.2176G>A on transcript NM_012199.5 (MANE Select); coding-DNA position 2176, G replaced by A.
Protein change: p.Gly726Ser; replaces glycine 726 with serine.
Molecular consequence: missense variant.
Genome position (GRCh38, 1-based): chr1:35,918,334, G>A. VCF-style: chr1-35918334-G-A. GRCh37 (hg19) VCF-style: chr1-36383935-G-A.
Other names: c.2176G>A, p.Gly726Ser (NM_001317122.2); c.1951G>A, p.Gly651Ser (NM_001317123.2); short protein forms G651S, G726S.
Identifiers: ClinVar variation 4873373 (VCV004873373.2).